The following is an entry in ClinVar:

NM_001374828.1(ARID1B):c.3857C>T (p.Pro1286Leu)

Gene: ARID1B (AT-rich interaction domain 1B; plus strand). Cytogenetic location: 6q25.3.
Variant type: single nucleotide variant.
Coding change: c.3857C>T on transcript NM_001374828.1 (MANE Select); coding-DNA position 3857, C replaced by T.
Protein change: p.Pro1286Leu; replaces proline 1286 with leucine.
Molecular consequence: missense variant.
Genome position (GRCh38, 1-based): chr6:157,184,373, C>T. VCF-style: chr6-157184373-C-T. GRCh37 (hg19) VCF-style: chr6-157505507-C-T.
Other names: c.3608C>T, p.Pro1203Leu (NM_001346813.1); c.1358C>T, p.Pro453Leu (NM_001363725.2); c.3737C>T, p.Pro1246Leu (NM_001371656.1, NM_001374820.1); c.3698C>T, p.Pro1233Leu (NM_017519.3); c.3488C>T, p.Pro1163Leu (NM_020732.3); c.3275C>T, p.Pro1092Leu (NM_175863.2); short protein forms P1203L, P1163L, P1246L, P1286L, P1233L, P453L, P1092L.
Identifiers: ClinVar variation 1731892 (VCV001731892.2), dbSNP rs773317331, ClinGen allele CA4067413.

ClinVar aggregate classification (germline): Uncertain significance (1 of 4 stars; one submission).

Conditions:
Inborn genetic diseases. Identifiers: MedGen C0950123, MeSH D030342.

Allele frequency attached by ClinVar (database versions not stated): gnomAD exomes 0.00001; ExAC 0.00002.
gnomAD v4.1: 8 of 1,614,142 alleles (0.0005%); highest among the groups gnomAD compares: South Asian, 0.0022%; no homozygotes.

Submission:

Ambry Genetics
Classification: Uncertain significance for Inborn genetic diseases. Last evaluated: 2018-01-18. Review status: criteria provided, single submitter. Criteria: Ambry Variant Classification Scheme 2023. Collection method: clinical testing. Allele origin: germline.
Comment: The p.P1163L variant (also known as c.3488C>T), located in coding exon 13 of the ARID1B gene, results from a C to T substitution at nucleotide position 3488. The proline at codon 1163 is replaced by leucine, an amino acid with similar properties. This amino acid position is highly conserved in available vertebrate species. In addition, the in silico prediction for this alteration is inconclusive. Since supporting evidence is limited at this time, the clinical significance of this alteration remains unclear.